The following is an entry in ClinVar:

NM_000368.5(TSC1):c.1480del (p.Ala494fs)

Gene: TSC1 (TSC complex subunit 1; minus strand). Cytogenetic location: 9q34.13.
Variant type: Deletion.
Coding change: c.1480del on transcript NM_000368.5 (MANE Select); coding-DNA position 1480, one base deleted (G; older notation c.1480delG).
Protein change: p.Ala494fs; shifts the reading frame from alanine 494.
Molecular consequence: frameshift variant. On other transcripts: non-coding transcript variant (5).
Genome position (GRCh38, 1-based): chr9:132,906,098, C deleted on the plus strand (G on the coding strand, the reverse complement: TSC1 is on the minus strand); the first of 2 consecutive C bases (chr9:132,906,098-132,906,099); deleting either gives the same sequence. VCF-style (leftmost placement, unchanged base first): chr9-132906097-GC-G. GRCh37 (hg19) VCF-style: chr9-135781484-GC-G.
Other names: c.529del, p.Ala177fs (NM_001406626.1); c.526del, p.Ala176fs (NM_001406627.1, NM_001406628.1); c.427del, p.Ala143fs (NM_001406629.1, NM_001406630.1); c.1477del, p.Ala493fs (NM_001162426.2, NM_001406597.1, NM_001406598.1 and 6 more transcripts); c.1327del, p.Ala443fs (NM_001162427.2, NM_001406610.1); c.1117del, p.Ala373fs (NM_001362177.2, NM_001406614.1, NM_001406615.1 and 5 more transcripts); c.1480del, p.Ala494fs (NM_001406592.1, NM_001406593.1, NM_001406594.1 and 7 more transcripts); c.1324del, p.Ala442fs (NM_001406611.1, NM_001406612.1, NM_001406613.1); and 1 more; short protein forms A372fs, A443fs, A493fs, A143fs, A177fs, A494fs, A176fs, A373fs.
Identifiers: ClinVar variation 2698710 (VCV002698710.3), dbSNP rs2538746576, ClinGen allele CA2697558122.

ClinVar aggregate classification (germline): Pathogenic (1 of 4 stars; one submission).

Conditions:
Tuberous sclerosis 1 (TSC1). Identifiers: Orphanet 805, MedGen C1854465, MONDO:0008612, OMIM 191100.

Submission:

Labcorp Genetics (formerly Invitae), Labcorp
Classification: Pathogenic for Tuberous sclerosis 1. Last evaluated: 2023-11-24. Review status: criteria provided, single submitter. Criteria: Invitae Variant Classification Sherloc (09022015). Collection method: clinical testing. Allele origin: germline.
Comment: This sequence change creates a premature translational stop signal (p.Ala494Glnfs*38) in the TSC1 gene. It is expected to result in an absent or disrupted protein product. Loss-of-function variants in TSC1 are known to be pathogenic (PMID: 10227394, 17304050). This variant is not present in population databases (gnomAD no frequency). This variant has not been reported in the literature in individuals affected with TSC1-related conditions. For these reasons, this variant has been classified as Pathogenic.

Literature cited by the submitters: PubMed 10227394; PubMed 17304050.